The following is an entry in ClinVar:

NM_201384.3(PLEC):c.9580G>A (p.Glu3194Lys)

Gene: PLEC (plectin; minus strand). Cytogenetic location: 8q24.3.
Variant type: single nucleotide variant.
Coding change: c.9580G>A on transcript NM_201384.3 (MANE Select); coding-DNA position 9580, G replaced by A.
Protein change: p.Glu3194Lys; replaces glutamic acid 3194 with lysine.
Molecular consequence: missense variant.
Genome position (GRCh38, 1-based): chr8:143,920,241, C>T on the plus strand (G>A on the coding strand, the complement: PLEC is on the minus strand). VCF-style: chr8-143920241-C-T. GRCh37 (hg19) VCF-style: chr8-144994409-C-T.
Other names: c.9661G>A, p.Glu3221Lys (NM_000445.5); c.9538G>A, p.Glu3180Lys (NM_201378.4); c.9514G>A, p.Glu3172Lys (NM_201379.3); c.9991G>A, p.Glu3331Lys (NM_201380.4); c.9484G>A, p.Glu3162Lys (NM_201381.3); c.9580G>A, p.Glu3194Lys (NM_201382.4); c.9592G>A, p.Glu3198Lys (NM_201383.3); c.9661G>A (NM_000445.3); short protein forms E3162K, E3172K, E3180K, E3194K, E3198K, E3221K, E3331K.
Identifiers: ClinVar variation 497852 (VCV000497852.18), dbSNP rs529809254, ClinGen allele CA4924923.

ClinVar aggregate classification (germline): Uncertain significance. Review status: criteria provided, multiple submitters, no conflicts (2 of 4 stars). 5 submissions from 5 submitters: Uncertain significance (5). Last evaluated 2026-02-01.

Conditions:
Autosomal recessive limb-girdle muscular dystrophy type 2Q (LGMDR17). Also called: MUSCULAR DYSTROPHY, LIMB-GIRDLE, AUTOSOMAL RECESSIVE 17. Identifiers: Orphanet 254361, MedGen C3150989, MONDO:0013390, OMIM 613723.
Epidermolysis bullosa simplex 5B, with muscular dystrophy (EBS5B). Also called: EPIDERMOLYSIS BULLOSA SIMPLEX AND LIMB-GIRDLE MUSCULAR DYSTROPHY; Epidermolysis bullosa simplex with muscular dystrophy. Identifiers: Orphanet 257, MedGen C2931072, MONDO:0009181, OMIM 226670.
Epidermolysis bullosa simplex, Ogna type (EBS5A). Also called: Pidermolysis bullosa simplex 5A, Ogna type; EPIDERMOLYSIS BULLOSA SIMPLEX 5A, OGNA TYPE. Identifiers: Orphanet 79401, MedGen C0432317, MONDO:0007555, OMIM 131950.
Epidermolysis bullosa simplex with nail dystrophy (EBS5D). Identifiers: MedGen C4225309, MONDO:0014661, OMIM 616487.
Epidermolysis bullosa simplex 5C, with pyloric atresia (EBS5C). Also called: PLEC-Related Epidermolysis Bullosa with Pyloric Atresia; Epidermolysis bullosa simplex with pyloric atresia; PLEC1-Related Epidermolysis Bullosa with Pyloric Atresia. Identifiers: Orphanet 158684, MedGen C2677349, MONDO:0012807, OMIM 612138.
PLEC-related disorder. Also called: PLEC-related disorders; PLEC-related condition.

Allele frequency attached by ClinVar (database versions not stated): gnomAD exomes 0.00004 and 0.00006; gnomAD 0.00005 and 0.00019; ExAC 0.00009; 1000 Genomes Project 30x 0.00016; TOPMed 0.00017; 1000 Genomes Project 0.00020.
gnomAD v4.1: 116 of 1,601,962 alleles (0.0072%); highest among the groups gnomAD compares: Non-Finnish European, 0.007%; no homozygotes.

Submissions (5):

Labcorp Genetics (formerly Invitae), Labcorp
Classification: Uncertain significance for Autosomal recessive limb-girdle muscular dystrophy type 2Q; Epidermolysis bullosa simplex, Ogna type; Epidermolysis bullosa simplex with nail dystrophy; Epidermolysis bullosa simplex 5C, with pyloric atresia; Epidermolysis bullosa simplex 5B, with muscular dystrophy. Last evaluated: 2026-02-01. Review status: criteria provided, single submitter. Criteria: Invitae Variant Classification Sherloc (09022015). Collection method: clinical testing. Allele origin: germline.
Comment: This sequence change replaces glutamic acid, which is acidic and polar, with lysine, which is basic and polar, at codon 3221 of the PLEC protein (p.Glu3221Lys). This variant is present in population databases (rs529809254, gnomAD 0.01%). This variant has not been reported in the literature in individuals affected with PLEC-related conditions. ClinVar contains an entry for this variant (Variation ID: 497852). An algorithm developed to predict the effect of missense changes on protein structure and function (PolyPhen-2) suggests that this variant is likely to be disruptive. In summary, the available evidence is currently insufficient to determine the role of this variant in disease. Therefore, it has been classified as a Variant of Uncertain Significance.

PreventionGenetics, part of Exact Sciences
Classification: Uncertain significance for PLEC-related condition. Last evaluated: 2025-02-05. Review status: criteria provided, single submitter. Criteria: ACMG Guidelines, 2015. Collection method: clinical testing. Allele origin: germline.
Comment: The PLEC c.9661G>A variant is predicted to result in the amino acid substitution p.Glu3221Lys. To our knowledge, this variant has not been reported in the literature. This variant is reported in 0.012% of alleles in individuals of East Asian descent in gnomAD. At this time, the clinical significance of this variant is uncertain due to the absence of conclusive functional and genetic evidence.

Athena Diagnostics
Classification: Uncertain significance. Last evaluated: 2023-03-31. Review status: criteria provided, single submitter. Criteria: Athena Diagnostics Criteria. Collection method: clinical testing. Allele origin: unknown.
Comment: Available data are insufficient to determine the clinical significance of the variant at this time. The frequency of this variant in the general population is uninformative in assessment of its pathogenicity. Computational tools predict that this variant is not damaging.

Revvity Omics, Revvity
Classification: Uncertain significance. Last evaluated: 2021-11-27. Review status: criteria provided, single submitter. Criteria: ACMG Guidelines, 2015. Collection method: clinical testing. Allele origin: germline.

Eurofins Ntd Llc (ga)
Classification: Uncertain significance. Last evaluated: 2017-12-19. Review status: criteria provided, single submitter. Criteria: EGL Classification Definitions 2015. Collection method: clinical testing. Allele origin: germline. Observed: 4 variant alleles, 4 heterozygotes.